The following is an entry in ClinVar:

NM_001393769.1(MED12L):c.4238T>C (p.Met1413Thr)

Genes: MED12L (mediator complex subunit 12L; plus strand), P2RY12 (purinergic receptor P2Y12; minus strand). Cytogenetic location: 3q25.1.
Variant type: single nucleotide variant.
Coding change: c.4238T>C on transcript NM_001393769.1 (MANE Select); coding-DNA position 4238, T replaced by C.
Protein change: p.Met1413Thr; replaces methionine 1413 with threonine.
Molecular consequence: missense variant. On other transcripts: intron variant (1).
Genome position (GRCh38, 1-based): chr3:151,377,100, T>C. VCF-style: chr3-151377100-T-C. GRCh37 (hg19) VCF-style: chr3-151094888-T-C.
Other names: c.4133T>C, p.Met1378Thr (NM_053002.6); c.-180+7592A>G (NM_022788.5); short protein forms M1378T, M1413T.
Identifiers: ClinVar variation 1723420 (VCV001723420.1), dbSNP rs1299658184, ClinGen allele CA354972820.

ClinVar aggregate classification (germline): Uncertain significance (1 of 4 stars; one submission).

Allele frequency attached by ClinVar (database versions not stated): gnomAD 0.00001.
gnomAD v4.1: 5 of 1,614,002 alleles (0.00031%); highest among the groups gnomAD compares: East Asian, 0.0022%; no homozygotes.

Submission:

Women's Health and Genetics/Laboratory Corporation of America, LabCorp
Classification: Uncertain significance. Last evaluated: 2022-10-28. Review status: criteria provided, single submitter. Criteria: LabCorp Variant Classification Summary - May 2015. Collection method: clinical testing. Allele origin: germline.
Comment: Variant summary: MED12L c.4133T>C (p.Met1378Thr) results in a non-conservative amino acid change in the encoded protein sequence. Three of five in-silico tools predict a benign effect of the variant on protein function. The variant allele was found at a frequency of 3.2e-05 in 31412 control chromosomes (gnomAD). The available data on variant occurrences in the general population are insufficient to allow any conclusion about variant significance. To our knowledge, no occurrence of c.4133T>C in individuals affected with Nizon-Isidor Syndrome and no experimental evidence demonstrating its impact on protein function have been reported. No clinical diagnostic laboratories have submitted clinical-significance assessments for this variant to ClinVar after 2014. Based on the evidence outlined above, the variant was classified as uncertain significance.